The following is an entry in ClinVar:

ClinVar aggregate classification (germline): Uncertain significance (1 of 4 stars; one submission).

Conditions:
Hereditary cancer-predisposing syndrome. Also called: Neoplastic Syndromes, Hereditary; Tumor predisposition; Hereditary neoplastic syndrome; Hereditary Cancer Syndrome. Identifiers: Orphanet 140162, MedGen C0027672, MeSH D009386, MONDO:0015356.

Submission:

Ambry Genetics
Classification: Uncertain significance for Hereditary cancer-predisposing syndrome. Last evaluated: 2024-02-28. Review status: criteria provided, single submitter. Criteria: Ambry Variant Classification Scheme 2023. Collection method: clinical testing. Allele origin: germline.
Comment: The p.E1000V variant (also known as c.2999A>T), located in coding exon 9 of the BRCA1 gene, results from an A to T substitution at nucleotide position 2999. The glutamic acid at codon 1000 is replaced by valine, an amino acid with dissimilar properties. This amino acid position is conserved. In addition, the in silico prediction for this alteration is inconclusive. Based on the available evidence, the clinical significance of this alteration remains unclear.

NM_007294.4(BRCA1):c.2999A>T (p.Glu1000Val)

Gene: BRCA1 (BRCA1 DNA repair associated; minus strand). Cytogenetic location: 17q21.31.
Variant type: single nucleotide variant.
Coding change: c.2999A>T on transcript NM_007294.4 (MANE Select); coding-DNA position 2999, A replaced by T.
Protein change: p.Glu1000Val; replaces glutamic acid 1000 with valine.
Molecular consequence: missense variant. On other transcripts: intron variant (137).
Genome position (GRCh38, 1-based): chr17:43,092,532, T>A on the plus strand (A>T on the coding strand, the complement: BRCA1 is on the minus strand). VCF-style: chr17-43092532-T-A. GRCh37 (hg19) VCF-style: chr17-41244549-T-A.
Other names: c.2855A>T, p.Glu952Val (NM_001407839.1, NM_001407844.1, NM_001407845.1 and 20 more transcripts); c.2996A>T, p.Glu999Val (NM_001407632.1, NM_001407633.1, NM_001407634.1 and 22 more transcripts); c.2999A>T, p.Glu1000Val (NM_001407639.1, NM_001407640.1, NM_001407641.1 and 30 more transcripts); c.2990A>T, p.Glu997Val (NM_001407646.1, NM_001407647.1); c.2876A>T, p.Glu959Val (NM_001407648.1, NM_001407664.1, NM_001407665.1 and 19 more transcripts); c.2873A>T, p.Glu958Val (NM_001407649.1, NM_001407670.1, NM_001407671.1 and 11 more transcripts); c.2921A>T, p.Glu974Val (NM_001407653.1, NM_001407654.1, NM_001407655.1 and 4 more transcripts); c.2918A>T, p.Glu973Val (NM_001407659.1, NM_001407660.1, NM_001407661.1 and 1 more transcripts); and 41 more; short protein forms E1000V, E704V, E832V, E872V, E873V, E888V, E889V, E911V.
Identifiers: ClinVar variation 3226127 (VCV003226127.1), dbSNP rs1060502330, ClinGen allele CA10596000.